The following is an entry in ClinVar:

ClinVar aggregate classification (germline): Likely benign (0 of 4 stars; one submission).

Conditions:
TLE6-related disorder. Also called: TLE6-related condition.

Allele frequency attached by ClinVar (database versions not stated): TOPMed 0.00005; gnomAD 0.00016; gnomAD exomes 0.00024; ExAC 0.00083; 1000 Genomes Project 0.71429.

Submission:

PreventionGenetics, part of Exact Sciences
Classification: Likely benign for TLE6-related condition. Last evaluated: 2019-02-22. Review status: no assertion criteria provided. Collection method: clinical testing. Allele origin: germline.
Comment: This variant is classified as likely benign based on ACMG/AMP sequence variant interpretation guidelines (Richards et al. 2015 PMID: 25741868, with internal and published modifications).

NM_001143986.2(TLE6):c.1615-5del

Gene: TLE6 (TLE family member 6, subcortical maternal complex member; plus strand). Cytogenetic location: 19p13.3.
Variant type: Deletion.
Coding change: c.1615-5del on transcript NM_001143986.2 (MANE Select); 5 bases into the intron before coding-DNA position 1615, one base deleted (T; older notation c.1615-5delT).
Molecular consequence: intron variant.
Genome position (GRCh38, 1-based): chr19:2,994,895, T deleted. VCF-style (leftmost placement, unchanged base first): chr19-2994894-CT-C. GRCh37 (hg19) VCF-style: chr19-2994892-CT-C.
Other names: c.1246-5del (NM_024760.3).
Identifiers: ClinVar variation 3046377 (VCV003046377.2), dbSNP rs565033424, ClinGen allele CA9073232.
Genomic context (GRCh38, chr19:2,994,894, plus strand): 5'-CTGACAGGTGGAGACCAGGGGTGTGTGAGCCCTACCCCAGCTCACTGCCCACTGCCCCCC[CT>C]CCAGGTGCCTGAGATGTCTCCAGTCACGTGCTGTGACGTCTCTTCCAACAACCGCCTCGT-3'